The following is an entry in ClinVar:

ClinVar aggregate classification (germline): Uncertain significance (1 of 4 stars; one submission).

Submission:

GeneDx
Classification: Uncertain significance. Last evaluated: 2024-07-22. Review status: criteria provided, single submitter. Criteria: GeneDx Variant Classification Process June 2021. Collection method: clinical testing. Allele origin: germline. Affected: yes.
Comment: Not observed at significant frequency in large population cohorts (gnomAD); In silico analysis supports that this missense variant has a deleterious effect on protein structure/function; This variant is associated with the following publications: (PMID: 30906834, Kang[2023]article)

NM_001384125.1(BLTP1):c.648T>G (p.Asn216Lys)

Gene: BLTP1 (bridge-like lipid transfer protein family member 1; plus strand). Cytogenetic location: 4q27.
Variant type: single nucleotide variant.
Coding change: c.648T>G on transcript NM_001384125.1 (MANE Select); coding-DNA position 648, T replaced by G.
Protein change: p.Asn216Lys; replaces asparagine 216 with lysine.
Molecular consequence: missense variant.
Genome position (GRCh38, 1-based): chr4:122,187,915, T>G. VCF-style: chr4-122187915-T-G. GRCh37 (hg19) VCF-style: chr4-123109070-T-G.
Other names: c.648T>G, p.Asn216Lys (NM_015312.4); short protein forms N216K.
Identifiers: ClinVar variation 451549 (VCV000451549.5), dbSNP rs1553984252, ClinGen allele CA358056747.